The following is an entry in ClinVar:

NM_001356.5(DDX3X):c.1497+5G>A

Gene: DDX3X (DEAD-box helicase 3 X-linked; plus strand). Cytogenetic location: Xp11.4.
Variant type: single nucleotide variant.
Coding change: c.1497+5G>A on transcript NM_001356.5 (MANE Select); 5 bases into the intron after coding-DNA position 1497, G replaced by A.
Molecular consequence: intron variant.
Genome position (GRCh38, 1-based): chrX:41,346,415, G>A. VCF-style: chrX-41346415-G-A. GRCh37 (hg19) VCF-style: chrX-41205668-G-A.
Other names: c.1497+5G>A (NM_001193416.3); c.1449+5G>A (NM_001193417.3); c.939+5G>A (NM_001363819.1).
Identifiers: ClinVar variation 1012648 (VCV001012648.49), dbSNP rs201687537, ClinGen allele CA10389643.

ClinVar aggregate classification (germline): Benign/Likely benign. Review status: criteria provided, multiple submitters, no conflicts (2 of 4 stars). 4 submissions from 4 submitters: Benign (2); Likely benign (2). Last evaluated 2026-02-03.

Conditions:
Inborn genetic diseases. Identifiers: MedGen C0950123, MeSH D030342.

Allele frequency attached by ClinVar (database versions not stated): gnomAD 0.00010; TOPMed 0.00011; ESP Exome Variant Server 0.00019; gnomAD exomes 0.00021; 1000 Genomes Project 0.00026; ExAC 0.00032; 1000 Genomes Project 30x 0.00042.
gnomAD v4.1: 244 of 1,203,873 alleles (0.02%); highest among the groups gnomAD compares: South Asian, 0.029%; no homozygotes.

Submissions (5):

Labcorp Genetics (formerly Invitae), Labcorp
Classification: Benign. Last evaluated: 2026-02-03. Review status: criteria provided, single submitter. Criteria: Invitae Variant Classification Sherloc (09022015). Collection method: clinical testing. Allele origin: germline.

CeGaT Center for Human Genetics Tuebingen
Classification: Likely benign. Last evaluated: 2023-04-01. Review status: criteria provided, single submitter. Criteria: CeGaT Center For Human Genetics Tuebingen Variant Classification Criteria Version 2. Collection method: clinical testing. Allele origin: germline. Affected: yes. Observed: 2 variant alleles.
Comment: DDX3X: BS2

GeneDx
Classification: Likely benign. Last evaluated: 2020-01-21. Review status: criteria provided, single submitter. Criteria: GeneDx Variant Classification Process June 2021. Collection method: clinical testing. Allele origin: germline. Affected: yes.

Ambry Genetics
Classification: Benign for Inborn genetic diseases. Last evaluated: 2019-06-27. Review status: criteria provided, single submitter. Criteria: Ambry Variant Classification Scheme 2023. Collection method: clinical testing. Allele origin: germline.

Dr. Peter K. Rogan Lab, Western University
No classification provided (evidence only). Condition: Acute myeloid leukemia. Review status: no classification provided. Collection method: in vitro. Allele origin: not applicable. Functional consequence: retained intron. Not counted in ClinVar's aggregate classification.